The following is an entry in ClinVar:

NM_006904.7(PRKDC):c.3652T>A (p.Ser1218Thr)

Gene: PRKDC (protein kinase, DNA-activated, catalytic subunit; minus strand). Cytogenetic location: 8q11.21.
Variant type: single nucleotide variant.
Coding change: c.3652T>A on transcript NM_006904.7 (MANE Select); coding-DNA position 3652, T replaced by A.
Protein change: p.Ser1218Thr; replaces serine 1218 with threonine.
Molecular consequence: missense variant.
Genome position (GRCh38, 1-based): chr8:47,893,334, A>T on the plus strand (T>A on the coding strand, the complement: PRKDC is on the minus strand). VCF-style: chr8-47893334-A-T. GRCh37 (hg19) VCF-style: chr8-48805894-A-T.
Other names: c.3652T>A, p.Ser1218Thr (NM_001081640.2); short protein forms S1218T.
Identifiers: ClinVar variation 2624581 (VCV002624581.2), dbSNP rs2089505643, ClinGen allele CA371150987.
Genomic context (GRCh38, chr8:47,893,334, plus strand): 5'-GGGCCAGGATGCCCGAGGGCTGGCCACAGCCACCCCCCTCAAAGGTGTTGATGAGAAAAG[A>T]GACACCTTCTTCCTTGAGAACATCTTTCAGCCACAAATTAGGGGATCTGTTGCCTTTAAA-3'
Protein context (NP_008835.5, residues 1208-1228): LKDVLKEEGV[Ser1218Thr]FLINTFEGGG

ClinVar aggregate classification (germline): Uncertain significance (1 of 4 stars; one submission).

Submission:

Ambry Genetics
Classification: Uncertain significance. Last evaluated: 2023-09-01. Review status: criteria provided, single submitter. Criteria: Ambry Variant Classification Scheme 2023. Collection method: clinical testing. Allele origin: germline.
Comment: The p.S1218T variant (also known as c.3652T>A), located in coding exon 31 of the PRKDC gene, results from a T to A substitution at nucleotide position 3652. The serine at codon 1218 is replaced by threonine, an amino acid with similar properties. This amino acid position is conserved. In addition, this alteration is predicted to be tolerated by in silico analysis. Since supporting evidence is limited at this time, the clinical significance of this alteration remains unclear.